The following is an entry in ClinVar:

NM_021813.4(BACH2):c.2424A>C (p.Gly808=)

Gene: BACH2 (BACH transcriptional regulator 2; minus strand). Cytogenetic location: 6q15.
Variant type: single nucleotide variant.
Coding change: c.2424A>C on transcript NM_021813.4 (MANE Select); coding-DNA position 2424, A replaced by C.
Protein change: p.Gly808=; no amino-acid change (glycine 808 retained).
Molecular consequence: synonymous variant.
Genome position (GRCh38, 1-based): chr6:89,932,510, T>G on the plus strand (A>C on the coding strand, the complement: BACH2 is on the minus strand). VCF-style: chr6-89932510-T-G. GRCh37 (hg19) VCF-style: chr6-90642229-T-G.
Other names: c.2424A>C, p.Gly808= (NM_001170794.2).
Identifiers: ClinVar variation 3682482 (VCV003682482.6).

ClinVar aggregate classification (germline): Likely benign. Review status: criteria provided, multiple submitters, no conflicts (2 of 4 stars). 2 submissions from 2 submitters: Likely benign (2). Last evaluated 2026-01-01.

Submissions (2):

CeGaT Center for Human Genetics Tuebingen
Classification: Likely benign. Last evaluated: 2026-01-01. Review status: criteria provided, single submitter. Criteria: CeGaT Center For Human Genetics Tuebingen Variant Classification Criteria Version 2. Collection method: clinical testing. Allele origin: germline. Affected: yes. Observed: 1 variant allele.
Comment: BACH2: PM2:Supporting, BP4, BP7

Labcorp Genetics (formerly Invitae), Labcorp
Classification: Likely benign. Last evaluated: 2024-08-08. Review status: criteria provided, single submitter. Criteria: Invitae Variant Classification Sherloc (09022015). Collection method: clinical testing. Allele origin: germline.